The following is an entry in ClinVar:

NM_001281775.3(ZMYND8):c.3168C>G (p.Ile1056Met)

Gene: ZMYND8 (zinc finger MYND-type containing 8; minus strand). Cytogenetic location: 20q13.12.
Variant type: single nucleotide variant.
Coding change: c.3168C>G on transcript NM_001281775.3 (MANE Select); coding-DNA position 3168, C replaced by G.
Protein change: p.Ile1056Met; replaces isoleucine 1056 with methionine.
Molecular consequence: missense variant.
Genome position (GRCh38, 1-based): chr20:47,224,405, G>C on the plus strand (C>G on the coding strand, the complement: ZMYND8 is on the minus strand). VCF-style: chr20-47224405-G-C. GRCh37 (hg19) VCF-style: chr20-45853058-G-C.
Other names: c.2712C>G, p.Ile904Met (NM_001281771.3); c.3108C>G, p.Ile1036Met (NM_001281772.3, NM_001281773.3, NM_001363741.2); c.2970C>G, p.Ile990Met (NM_001281774.3); c.2787C>G, p.Ile929Met (NM_001281776.3); c.2955C>G, p.Ile985Met (NM_001281777.3, NM_183048.4); c.3093C>G, p.Ile1031Met (NM_001281778.3); c.2226C>G, p.Ile742Met (NM_001281779.3, NM_001281780.3); c.2814C>G, p.Ile938Met (NM_001281781.3); and 5 more; short protein forms I1010M, I1031M, I1036M, I1056M, I1063M, I742M, I904M, I929M.
Identifiers: ClinVar variation 3906818 (VCV003906818.1).

ClinVar aggregate classification (germline): Uncertain significance (1 of 4 stars; one submission).

Submission:

GeneDx
Classification: Uncertain significance. Last evaluated: 2024-12-19. Review status: criteria provided, single submitter. Criteria: GeneDx Variant Classification Process June 2021. Collection method: clinical testing. Allele origin: germline. Affected: yes.
Comment: Not observed at significant frequency in large population cohorts (gnomAD); In silico analysis indicates that this missense variant does not alter protein structure/function; Has not been previously published as pathogenic or benign to our knowledge